The following is an entry in ClinVar:

NM_001164665.2(KIAA1549):c.3515G>T (p.Arg1172Ile)

Gene: KIAA1549 (KIAA1549; minus strand). Cytogenetic location: 7q34.
Variant type: single nucleotide variant.
Coding change: c.3515G>T on transcript NM_001164665.2 (MANE Select); coding-DNA position 3515, G replaced by T.
Protein change: p.Arg1172Ile; replaces arginine 1172 with isoleucine.
Molecular consequence: missense variant.
Genome position (GRCh38, 1-based): chr7:138,905,027, C>A on the plus strand (G>T on the coding strand, the complement: KIAA1549 is on the minus strand). VCF-style: chr7-138905027-C-A. GRCh37 (hg19) VCF-style: chr7-138589773-C-A.
Other names: c.3515G>T, p.Arg1172Ile (NM_020910.3); short protein forms R1172I.
Identifiers: ClinVar variation 1715439 (VCV001715439.5), dbSNP rs866468676, ClinGen allele CA167157995.
Genomic context (GRCh38, chr7:138,905,027, plus strand): 5'-CTGCATAGACTTCTTCTCCTTACAGTTCCCAAAATATTACATAAGTTAAACATACCTGTT[C>A]TGACCCAAGAGGACTTCAGCAACTGAGATAAGTTGAGCTGTGGATACTGGAAGGCTACAA-3'
Protein context (NP_001158137.1, residues 1162-1182): LSQLLKSSWV[Arg1172Ile]TVLLGVMEKQ

ClinVar aggregate classification (germline): Uncertain significance (1 of 4 stars; one submission).

Submission:

Labcorp Genetics (formerly Invitae), Labcorp
Classification: Uncertain significance. Last evaluated: 2023-12-11. Review status: criteria provided, single submitter. Criteria: Invitae Variant Classification Sherloc (09022015). Collection method: clinical testing. Allele origin: germline.
Comment: This sequence change replaces arginine, which is basic and polar, with isoleucine, which is neutral and non-polar, at codon 1172 of the KIAA1549 protein (p.Arg1172Ile). This variant is not present in population databases (gnomAD no frequency). This variant has not been reported in the literature in individuals affected with KIAA1549-related conditions. ClinVar contains an entry for this variant (Variation ID: 1715439). An algorithm developed to predict the effect of missense changes on protein structure and function (PolyPhen-2) suggests that this variant is likely to be disruptive. In summary, the available evidence is currently insufficient to determine the role of this variant in disease. Therefore, it has been classified as a Variant of Uncertain Significance.